The following is an entry in ClinVar:

NM_015450.3(POT1):c.2_9dup (p.Val4fs)

Gene: POT1 (protection of telomeres 1; minus strand). Cytogenetic location: 7q31.33.
Variant type: Duplication.
Coding change: c.2_9dup on transcript NM_015450.3 (MANE Select); coding-DNA positions 2 to 9, 8 bases duplicated (TGTCTTTG; older notation c.2_9dupTGTCTTTG).
Protein change: p.Val4fs; shifts the reading frame from valine 4.
Molecular consequence: frameshift variant, initiator codon variant. On other transcripts: 5 prime UTR variant (1), non-coding transcript variant (3).
Genome position (GRCh38, 1-based): chr7:124,897,165-124,897,172, CAAAGACA duplicated on the plus strand (TGTCTTTG on the coding strand, the reverse complement: POT1 is on the minus strand). VCF-style (leftmost placement, unchanged base first): chr7-124897164-C-CCAAAGACA. GRCh37 (hg19) VCF-style: chr7-124537218-C-CCAAAGACA.
Other names: c.-261_-254dup (NM_001042594.2); short protein forms V4fs.
Identifiers: ClinVar variation 939360 (VCV000939360.8), dbSNP rs1796511665, ClinGen allele CA1139660234.

ClinVar aggregate classification (germline): Pathogenic (1 of 4 stars; one submission).

Conditions:
Tumor predisposition syndrome 3 (TPDS3). Also called: Glioma susceptibility 9; LONG TELOMERE SYNDROME, POT1-RELATED; POT1 Tumor Predisposition; Melanoma, cutaneous malignant, susceptibility to, 10. Identifiers: Orphanet 618, MedGen C4014476, MONDO:0014368, OMIM 615848.

Submission:

Labcorp Genetics (formerly Invitae), Labcorp
Classification: Pathogenic for Tumor predisposition syndrome 3. Last evaluated: 2022-08-09. Review status: criteria provided, single submitter. Criteria: Invitae Variant Classification Sherloc (09022015). Collection method: clinical testing. Allele origin: germline.
Comment: For these reasons, this variant has been classified as Pathogenic. Algorithms developed to predict the effect of sequence changes on RNA splicing suggest that this variant may disrupt the consensus splice site. ClinVar contains an entry for this variant (Variation ID: 939360). This variant has not been reported in the literature in individuals affected with POT1-related conditions. This variant is not present in population databases (gnomAD no frequency). This sequence change creates a premature translational stop signal (p.Val4Cysfs*14) in the POT1 gene. It is expected to result in an absent or disrupted protein product. Loss-of-function variants in POT1 are known to be pathogenic (PMID: 32155570).

Literature cited by the submitters: PubMed 32155570.